The following is an entry in ClinVar:

ClinVar aggregate classification (germline): Uncertain significance (1 of 4 stars; one submission).

Conditions:
Epilepsy, X-linked 1, with variable learning disabilities and behavior disorders. Also called: X-linked epilepsy-learning disabilities-behavior disorders syndrome. Identifiers: Orphanet 85294, MedGen C5774177, MONDO:0010339, OMIM 300491.

Submission:

Labcorp Genetics (formerly Invitae), Labcorp
Classification: Uncertain significance for Epilepsy, X-linked 1, with variable learning disabilities and behavior disorders. Last evaluated: 2024-04-15. Review status: criteria provided, single submitter. Criteria: Invitae Variant Classification Sherloc (09022015). Collection method: clinical testing. Allele origin: germline.
Comment: This sequence change replaces glutamine, which is neutral and polar, with arginine, which is basic and polar, at codon 659 of the SYN1 protein (p.Gln659Arg). This variant is not present in population databases (gnomAD no frequency). This variant has not been reported in the literature in individuals affected with SYN1-related conditions. ClinVar contains an entry for this variant (Variation ID: 2013817). Experimental studies and prediction algorithms are not available or were not evaluated, and the functional significance of this variant is currently unknown. In summary, the available evidence is currently insufficient to determine the role of this variant in disease. Therefore, it has been classified as a Variant of Uncertain Significance.

NM_006950.3(SYN1):c.1976A>G (p.Gln659Arg)

Gene: SYN1 (synapsin I; minus strand). Cytogenetic location: Xp11.3.
Variant type: single nucleotide variant.
Coding change: c.1976A>G on transcript NM_006950.3 (MANE Select); coding-DNA position 1976, A replaced by G.
Protein change: p.Gln659Arg; replaces glutamine 659 with arginine.
Molecular consequence: missense variant.
Genome position (GRCh38, 1-based): chrX:47,574,008, T>C on the plus strand (A>G on the coding strand, the complement: SYN1 is on the minus strand). VCF-style: chrX-47574008-T-C. GRCh37 (hg19) VCF-style: chrX-47433407-T-C.
Other names: c.1976A>G, p.Gln659Arg (NM_133499.2); short protein forms Q659R.
Identifiers: ClinVar variation 2013817 (VCV002013817.4), dbSNP rs2519684470, ClinGen allele CA412821979.